The following is an entry in ClinVar:

NC_000004.11:g.(?_5620185)_(5699394_?)del

Gene: EVC2 (EvC ciliary complex subunit 2; minus strand). Cytogenetic location: 4p16.2.
Variant type: Deletion.
Identifiers: ClinVar variation 3246628 (VCV003246628.1).

ClinVar aggregate classification (germline): Pathogenic (1 of 4 stars; one submission).

Conditions:
Ellis-van Creveld syndrome (EVC). Also called: MESOECTODERMAL DYSPLASIA; Chondroectodermal dysplasia; EVC-Related Ellis-van Creveld Syndrome; EVC2-Related Ellis-van Creveld Syndrome. Identifiers: Orphanet 289, MedGen C0013903, MONDO:0009162, OMIM 225500.
Curry-Hall syndrome (WAD). Also called: WEYERS ACRODENTAL DYSOSTOSIS. Identifiers: Orphanet 952, MedGen C0457013, MONDO:0008673, OMIM 193530.

Submission:

Labcorp Genetics (formerly Invitae), Labcorp
Classification: Pathogenic for Curry-Hall syndrome; Ellis-van Creveld syndrome. Last evaluated: 2023-06-27. Review status: criteria provided, single submitter. Criteria: Invitae Variant Classification Sherloc (09022015). Collection method: clinical testing. Allele origin: unknown.
Comment: For these reasons, this variant has been classified as Pathogenic. This variant disrupts a region of the EVC2 protein in which other variant(s) (p.Asp207Tyr) have been determined to be pathogenic (PMID: 19251731, 29068549). This suggests that this is a clinically significant region of the protein, and that variants that disrupt it are likely to be disease-causing. This variant has not been reported in the literature in individuals affected with EVC2-related conditions. This variant is a gross deletion of the genomic region encompassing exon(s) 2-15 of the EVC2 gene. This variant would be expected to be in-frame, preserving the integrity of the reading frame.

Literature cited by the submitters: PubMed 19251731; PubMed 29068549.